The following is an entry in ClinVar:

NM_206933.4(USH2A):c.5294T>C (p.Leu1765Pro)

Genes: USH2A (usherin; minus strand), USH2A-AS2 (USH2A antisense RNA 2; plus strand). Cytogenetic location: 1q41.
Variant type: single nucleotide variant.
Coding change: c.5294T>C on transcript NM_206933.4 (MANE Select); coding-DNA position 5294, T replaced by C.
Protein change: p.Leu1765Pro; replaces leucine 1765 with proline.
Molecular consequence: missense variant.
Genome position (GRCh38, 1-based): chr1:216,083,460, A>G on the plus strand (T>C on the coding strand, the complement: USH2A is on the minus strand). VCF-style: chr1-216083460-A-G. GRCh37 (hg19) VCF-style: chr1-216256802-A-G.
Other names: short protein forms L1765P.
Identifiers: ClinVar variation 1410368 (VCV001410368.6), dbSNP rs2102559645, ClinGen allele CA344857590.

ClinVar aggregate classification (germline): Uncertain significance. Review status: criteria provided, single submitter (1 of 4 stars). 2 submissions from 2 submitters: Uncertain significance (1). 1 of the submissions does not count toward it. Last evaluated 2021-10-18.

Conditions:
Usher syndrome type 2A. Also called: RETINAL DISEASE IN USHER SYNDROME TYPE IIA, MODIFIER OF; USHER SYNDROME, TYPE IIA. Identifiers: Orphanet 231178, Orphanet 886, MedGen C1848634, MONDO:0010169, OMIM 276901.

Submissions (2):

Labcorp Genetics (formerly Invitae), Labcorp
Classification: Uncertain significance. Last evaluated: 2021-10-18. Review status: criteria provided, single submitter. Criteria: Invitae Variant Classification Sherloc (09022015). Collection method: clinical testing. Allele origin: germline.
Comment: This sequence change replaces leucine with proline at codon 1765 of the USH2A protein (p.Leu1765Pro). The leucine residue is highly conserved and there is a moderate physicochemical difference between leucine and proline. This variant is not present in population databases (ExAC no frequency). This variant has not been reported in the literature in individuals affected with USH2A-related conditions. Algorithms developed to predict the effect of missense changes on protein structure and function (SIFT, PolyPhen-2, Align-GVGD) all suggest that this variant is likely to be disruptive. In summary, the available evidence is currently insufficient to determine the role of this variant in disease. Therefore, it has been classified as a Variant of Uncertain Significance.

Center for Human Genetics and Genomic Medicine, Uniklinik Rwth Aachen
Classification: Likely pathogenic for Usher syndrome type 2A. Review status: no assertion criteria provided. Collection method: clinical testing. Allele origin: paternal. Inheritance: Autosomal recessive inheritance. Affected: yes. Not counted in ClinVar's aggregate classification.